The following is an entry in ClinVar:

NM_001009944.3(PKD1):c.3296-15G>A

Gene: PKD1 (polycystin 1, transient receptor potential channel interacting; minus strand). Cytogenetic location: 16p13.3.
Variant type: single nucleotide variant.
Coding change: c.3296-15G>A on transcript NM_001009944.3 (MANE Select); 15 bases into the intron before coding-DNA position 3296, G replaced by A.
Molecular consequence: intron variant.
Genome position (GRCh38, 1-based): chr16:2,111,886, C>T on the plus strand (G>A on the coding strand, the complement: PKD1 is on the minus strand). VCF-style: chr16-2111886-C-T. GRCh37 (hg19) VCF-style: chr16-2161887-C-T.
Other names: c.3296-15G>A (NM_000296.4).
Identifiers: ClinVar variation 256948 (VCV000256948.50), dbSNP rs201704201, ClinGen allele CA7832825.

ClinVar aggregate classification (germline): Benign/Likely benign. Review status: criteria provided, multiple submitters, no conflicts (2 of 4 stars). 10 submissions from 10 submitters: Benign (4); Likely benign (2). 4 of the submissions do not count toward it. Last evaluated 2026-01-01.

Conditions:
Polycystic kidney disease, adult type (PKD1). Also called: POLYCYSTIC KIDNEY DISEASE 1 WITH OR WITHOUT POLYCYSTIC LIVER DISEASE; Polycystic Kidney Disease 1, Autosomal Dominant; Polycystic kidney disease 1; Polycystic kidney disease 1, severe; Polycystic Kidney, Autosomal Dominant; POLYCYSTIC KIDNEY DISEASE, ADULT, TYPE I. Identifiers: MedGen C3149841, MONDO:0008263, OMIM 173900.
Polycystic kidney disease. Also called: Kidney, Polycystic; Polycystic kidney dysplasia. Identifiers: MedGen C0022680, MeSH D007690, MONDO:0020642, HP:0000113.

Allele frequency attached by ClinVar (database versions not stated): 1000 Genomes Project 30x 0.00078; 1000 Genomes Project 0.00080; gnomAD exomes 0.00290 and 0.00448; gnomAD 0.00306 and 0.00316; ExAC 0.00331; TOPMed 0.00339; ESP Exome Variant Server 0.00433.
gnomAD v4.1: 6,959 of 1,609,728 alleles (0.43%); highest among the groups gnomAD compares: Non-Finnish European, 0.54%; 17 homozygotes.

Submissions (10):

CeGaT Center for Human Genetics Tuebingen
Classification: Likely benign. Last evaluated: 2026-01-01. Review status: criteria provided, single submitter. Criteria: CeGaT Center For Human Genetics Tuebingen Variant Classification Criteria Version 2. Collection method: clinical testing. Allele origin: germline. Affected: yes. Observed: 5 variant alleles.
Comment: PKD1: BS2

Women's Health and Genetics/Laboratory Corporation of America, LabCorp
Classification: Benign. Last evaluated: 2025-04-28. Review status: criteria provided, single submitter. Criteria: LabCorp Variant Classification Summary - May 2015. Collection method: clinical testing. Allele origin: germline.
Comment: Variant summary: PKD1 c.3296-15G>A alters a nucleotide located at a position not widely known to affect splicing. Consensus agreement among computation tools predict no significant impact on normal splicing. However, these predictions have yet to be confirmed by functional studies. The variant allele was found at a frequency of 0.0045 in 1457436 control chromosomes, predominantly at a frequency of 0.0054 within the Non-Finnish European subpopulation in the gnomAD database, including 14 homozygotes. The observed variant frequency within Non-Finnish European control individuals in the gnomAD database exceeds the estimated maximal expected allele frequency for a pathogenic variant in PKD1 causing PKD1-Biallelic Autosomal Recessive Polycystic Kidney Disease phenotype. To our knowledge, no occurrence of c.3296-15G>A in individuals affected with PKD1-Biallelic Autosomal Recessive Polycystic Kidney Disease and no experimental evidence demonstrating its impact on protein function have been reported. ClinVar contains an entry for this variant (Variation ID: 256948). Based on the evidence outlined above, the variant was classified as benign.

Blueprint Genetics
Classification: Benign. Last evaluated: 2024-11-25. Review status: criteria provided, single submitter. Criteria: ACMG Guidelines, 2015. Collection method: clinical testing. Allele origin: germline.

Fulgent Genetics
Classification: Likely benign for Polycystic kidney disease, adult type. Last evaluated: 2022-05-03. Review status: criteria provided, single submitter. Criteria: ACMG Guidelines, 2015. Collection method: clinical testing. Allele origin: unknown.

ARUP Laboratories, Molecular Genetics and Genomics, ARUP Laboratories
Classification: Benign for Polycystic kidney disease, adult type. Last evaluated: 2018-07-03. Review status: criteria provided, single submitter. Criteria: ARUP Molecular Germline Variant Investigation Process. Collection method: clinical testing. Allele origin: germline.

PreventionGenetics, part of Exact Sciences
Classification: Benign. Review status: criteria provided, single submitter. Criteria: ACMG Guidelines, 2015. Collection method: clinical testing. Allele origin: germline.

Department of Pathology and Laboratory Medicine, Sinai Health System
Classification: Likely benign for Polycystic Kidney disease. Review status: no assertion criteria provided. Collection method: clinical testing. Allele origin: unknown. Affected: yes. Study: The Canadian Open Genetics Repository (COGR). Not counted in ClinVar's aggregate classification.
Comment: The PKD1 c.3296-15G>A variant was not identified in the literature nor was it identified in the GeneInsight-COGR, LOVD 3.0, PKD1-LOVD, databases. The variant was identified in dbSNP (ID: rs201704201) as â€šÃ„ÃºWith Benign alleleâ€šÃ„Ã¹; in the ClinVar database as benign by Prevention Genetics; in ADPKD Mutation Database 2X as likely neutral; in the 1000 Genomes Project in 4 of 5000 chromosomes (frequency: 0.0008); and in the NHLBI GO Exome Sequencing Project in 46 of 8572 European American (freq. 0.005) and in 10 of 4360 (freq. 0.002) African American alleles. The variant was identified in control databases in 779 of 269446 chromosomes at a frequency of 0.003 increasing the likelihood this could be a low frequency benign variant (Genome Aggregation Consortium Feb 27, 2017). In addition we cannot be certain that data from control databases is specific to PKD1 and not from one of the six PKD1 pseudogenes. The variant occurs outside of the splicing consensus sequence and in silico or computational prediction software programs (SpliceSiteFinder, MaxEntScan, NNSPLICE, GeneSplicer, HumanSpliceFinder) predicts a greater than 10% difference in splicing in 2 of 5, but this information is not very predictive of pathogenicity. In summary, based on the above information this variant meets our laboratory criteria to be classified as likely benign.

Genome Diagnostics Laboratory, University Medical Center Utrecht
Classification: Benign. Review status: no assertion criteria provided. Collection method: clinical testing. Allele origin: germline. Affected: yes. Study: VKGL Data-share Consensus. Not counted in ClinVar's aggregate classification.

Joint Genome Diagnostic Labs from Nijmegen and Maastricht, Radboudumc and MUMC+
Classification: Benign. Review status: no assertion criteria provided. Collection method: clinical testing. Allele origin: germline. Affected: yes. Study: VKGL Data-share Consensus. Not counted in ClinVar's aggregate classification.

Laboratory of Diagnostic Genome Analysis, Leiden University Medical Center (LUMC)
Classification: Benign. Review status: no assertion criteria provided. Collection method: clinical testing. Allele origin: germline. Affected: yes. Study: VKGL Data-share Consensus. Not counted in ClinVar's aggregate classification.